The following is an entry in ClinVar:

ClinVar aggregate classification (germline): Uncertain significance (1 of 4 stars; one submission).

Conditions:
Infantile-onset ascending hereditary spastic paralysis (IAHSP). Also called: Autosomal Recessive Juvenile Amyotrophic Lateral Sclerosis; Infantile-Onset Ascending Hereditary Spastic Paralysis (IAHSP). Identifiers: Orphanet 293168, MedGen C2931441, MONDO:0011797, OMIM 607225. Disease mechanism: loss of function.

Submission:

Labcorp Genetics (formerly Invitae), Labcorp
Classification: Uncertain significance for Infantile-onset ascending hereditary spastic paralysis. Last evaluated: 2023-06-13. Review status: criteria provided, single submitter. Criteria: Invitae Variant Classification Sherloc (09022015). Collection method: clinical testing. Allele origin: germline.
Comment: In summary, the available evidence is currently insufficient to determine the role of this variant in disease. Therefore, it has been classified as a Variant of Uncertain Significance. Experimental studies and prediction algorithms are not available or were not evaluated, and the functional significance of this variant is currently unknown. This variant has not been reported in the literature in individuals affected with ALS2-related conditions. This variant is a gross deletion of the genomic region encompassing exon(s) 29 of the ALS2 gene. This variant would be expected to be in-frame, preserving the integrity of the reading frame.

NC_000002.11:g.(?_202571549)_(202571765_?)del

Gene: ALS2 (alsin Rho guanine nucleotide exchange factor ALS2; minus strand). Cytogenetic location: 2q33.1.
Variant type: Deletion.
Identifiers: ClinVar variation 2426626 (VCV002426626.4).